The following is an entry in ClinVar:

ClinVar aggregate classification (germline): Benign/Likely benign. Review status: criteria provided, multiple submitters, no conflicts (2 of 4 stars). 3 submissions from 3 submitters: Benign (1); Likely benign (2). Last evaluated 2026-01-10.

Conditions:
Spinocerebellar ataxia type 11 (SCA11). Identifiers: Orphanet 98767, MedGen C1858351, MONDO:0011464, OMIM 604432.

Allele frequency attached by ClinVar (database versions not stated): TOPMed 0.00002; gnomAD 0.00003; gnomAD exomes 0.00006; ExAC 0.00013; 1000 Genomes Project 30x 0.00016; 1000 Genomes Project 0.00020.
gnomAD v4.1: 97 of 1,613,984 alleles (0.006%); highest among the groups gnomAD compares: South Asian, 0.093%; 1 homozygote.

Submissions (3):

Labcorp Genetics (formerly Invitae), Labcorp
Classification: Likely benign. Last evaluated: 2026-01-10. Review status: criteria provided, single submitter. Criteria: Invitae Variant Classification Sherloc (09022015). Collection method: clinical testing. Allele origin: germline.

Genomic Medicine Center of Excellence, King Faisal Specialist Hospital and Research Centre
Classification: Benign for Spinocerebellar ataxia type 11. Last evaluated: 2023-12-12. Review status: criteria provided, single submitter. Criteria: ACMG Guidelines, 2015. Collection method: research. Allele origin: germline.

CeGaT Center for Human Genetics Tuebingen
Classification: Likely benign. Last evaluated: 2023-05-01. Review status: criteria provided, single submitter. Criteria: CeGaT Center For Human Genetics Tuebingen Variant Classification Criteria Version 2. Collection method: clinical testing. Allele origin: germline. Affected: yes. Observed: 1 variant allele.
Comment: TTBK2: BS1

NM_173500.4(TTBK2):c.2030C>G (p.Thr677Arg)

Gene: TTBK2 (tau tubulin kinase 2; minus strand). Cytogenetic location: 15q15.2.
Variant type: single nucleotide variant.
Coding change: c.2030C>G on transcript NM_173500.4 (MANE Select); coding-DNA position 2030, C replaced by G.
Protein change: p.Thr677Arg; replaces threonine 677 with arginine.
Molecular consequence: missense variant.
Genome position (GRCh38, 1-based): chr15:42,753,216, G>C on the plus strand (C>G on the coding strand, the complement: TTBK2 is on the minus strand). VCF-style: chr15-42753216-G-C. GRCh37 (hg19) VCF-style: chr15-43045414-G-C.
Other names: short protein forms T677R.
Identifiers: ClinVar variation 2645259 (VCV002645259.25), dbSNP rs577127450, ClinGen allele CA7516789.